The following is an entry in ClinVar:

ClinVar aggregate classification (germline): Pathogenic/Likely pathogenic. Review status: criteria provided, multiple submitters, no conflicts (2 of 4 stars). 4 submissions from 4 submitters: Pathogenic (3); Likely pathogenic (1). Last evaluated 2026-02-07.

Conditions:
TTN-related disorder. Also called: TTN-related disorders; TTN-related condition; TTN-related disease.
Dilated cardiomyopathy 1G (CMD1G). Identifiers: Orphanet 154, MedGen C1858763, MONDO:0011400, OMIM 604145.
Autosomal recessive limb-girdle muscular dystrophy type 2J (LGMDR10). Also called: Limb-girdle muscular dystrophy, type 2J; MUSCULAR DYSTROPHY, LIMB-GIRDLE, AUTOSOMAL RECESSIVE 10. Identifiers: Orphanet 140922, MedGen C1837342, MONDO:0012127, OMIM 608807.
Primary dilated cardiomyopathy (DCM). Also called: Dilated Cardiomyopathy. Identifiers: Orphanet 217604, MedGen C0007193, MeSH D002311, MONDO:0005021, HP:0001644. Inheritance: Various modes of inheritance.

Submissions (4):

PreventionGenetics, part of Exact Sciences
Classification: Pathogenic for TTN-related condition. Last evaluated: 2026-02-07. Review status: criteria provided, single submitter. Criteria: ACMG Guidelines, 2015. Collection method: clinical testing. Allele origin: germline.
Comment: The TTN c.87624C>A variant is predicted to result in premature protein termination (p.Tyr29208*). This variant, also described as c.82701C>A, p.Tyr27567*, has been reported in individuals with dilated cardiomyopathy (Table S4, Roberts et al. 2015. PubMed ID: 25589632; Supplementary table 6, Herman et al. 2012. PubMed ID: 22335739; Suppl table 1, Patel et al. 2021. PubMed ID: 34461741). This variant has not been reported in a large population database (gnomAD), indicating this variant is rare. This variant is located in the A-band region of the protein in which truncating TTN variants have been found more frequently in dilated cardiomyopathy patients than in controls (Herman et al. 2012. PubMed ID: 22335739). RNAseq studies from heart tissue indicate this exon is commonly included in TTN mRNA transcripts (PSI of 95%-100%, Roberts et al. 2015. PubMed ID: 25589632). TTN loss-of-function variants occurring in constitutively expressed exons (PSI > 90%) are more likely to be disease causing for TTN cardiac-related disorders regardless of band location (Roberts et al. 2015. PubMed ID: 25589632; Schafer et al. 2017. PubMed ID: 27869827; Akhtar et al. 2020. PubMed ID: 32964742). Many cases of recessive TTN-related myopathies in which the individual is compound heterozygous for two loss-of-function variants in TTN have also been reported (Ge et al. 2019. PubMed ID: 31053406; Oates et al. 2018. PubMed ID: 29691892; Rees et al. 2021. PubMed ID: 33449170). In summary, this variant is categorized as pathogenic. Of note, this variant is considered pathogenic for increased risk of TTN-related cardiac disorders, and also for autosomal recessive TTN-related congenital titinopathies.

Labcorp Genetics (formerly Invitae), Labcorp
Classification: Pathogenic for Dilated cardiomyopathy 1G; Autosomal recessive limb-girdle muscular dystrophy type 2J. Last evaluated: 2025-12-14. Review status: criteria provided, single submitter. Criteria: Invitae Variant Classification Sherloc (09022015). Collection method: clinical testing. Allele origin: germline.
Comment: This sequence change creates a premature translational stop signal (p.Tyr29208*) in the TTN gene. While this is not anticipated to result in nonsense mediated decay, it is expected to create a truncated TTN protein. This variant is not present in population databases (gnomAD no frequency). This premature translational stop signal has been observed in individuals with dilated cardiomyopathy (PMID: 22335739, 25589632; internal data). ClinVar contains an entry for this variant (Variation ID: 223323). This variant is located in the A band of TTN (PMID: 25589632). Truncating variants in this region are significantly overrepresented in patients affected with dilated cardiomyopathy (PMID: 25589632). Truncating variants in this region have also been reported in individuals affected with autosomal recessive centronuclear myopathy (PMID: 23975875). For these reasons, this variant has been classified as Pathogenic.

Blueprint Genetics
Classification: Pathogenic for TTN-related disorders. Last evaluated: 2022-11-24. Review status: criteria provided, single submitter. Criteria: ACMG Guidelines, 2015. Collection method: clinical testing. Allele origin: germline. Affected: yes. Observed: 1 variant allele.

Cardiovascular Biomedical Research Unit, Royal Brompton & Harefield NHS Foundation Trust
Classification: Likely pathogenic for Primary dilated cardiomyopathy. Last evaluated: 2014-10-08. Review status: criteria provided, single submitter. Criteria: Roberts et al. 2015. Collection method: research. Allele origin: germline. Inheritance: Autosomal dominant inheritance. Affected: yes. Observed: 1 variant allele. Study: Endstage DCM.
Comment: In the seven cohorts assessed, TTNtv were found in 14% of ambulant DCM, 22% end-stage or familial DCM, and 2% controls. Heterozygous nonsense, frameshift and canonical splice-disrupting variants found in constitutive and other highly utilised exons are highly likely to be pathogenic when identified in individuals with phenotypically confirmed DCM. TTNtv found incidentally in healthy individuals (excluding familial assessment of DCM relatives) are thought to have low penetrance, particularly when identified in exons that are not constitutively expressed in the heart.

Literature cited by the submitters: PubMed 22335739 (cited by Labcorp Genetics (formerly Invitae), Labcorp); PubMed 25589632 (cited by Labcorp Genetics (formerly Invitae), Labcorp); PubMed 23975875 (cited by Labcorp Genetics (formerly Invitae), Labcorp).

NM_001267550.2(TTN):c.87624C>A (p.Tyr29208Ter)

Genes: TTN (titin; minus strand), TTN-AS1 (TTN antisense RNA 1; plus strand). Cytogenetic location: 2q31.2.
Variant type: single nucleotide variant.
Coding change: c.87624C>A on transcript NM_001267550.2 (MANE Select); coding-DNA position 87624, C replaced by A.
Protein change: p.Tyr29208Ter; replaces tyrosine 29208 with a stop codon.
Molecular consequence: nonsense.
Genome position (GRCh38, 1-based): chr2:178,557,730, G>T on the plus strand (C>A on the coding strand, the complement: TTN is on the minus strand). VCF-style: chr2-178557730-G-T. GRCh37 (hg19) VCF-style: chr2-179422457-G-T.
Other names: c.82701C>A, p.Tyr27567Ter (NM_001256850.1); c.60429C>A, p.Tyr20143Ter (NM_003319.4); c.79920C>A, p.Tyr26640Ter (NM_133378.4); c.60804C>A, p.Tyr20268Ter (NM_133432.3); c.61005C>A, p.Tyr20335Ter (NM_133437.4); c.87624C>A (LRG_391t1); short protein forms Y29208*, Y20335*, Y27567*, Y20143*, Y20268*, Y26640*.
Identifiers: ClinVar variation 223323 (VCV000223323.9), dbSNP rs772121356, ClinGen allele CA113780.